The following is an entry in ClinVar:

NM_000701.8(ATP1A1):c.2293+4A>C

Genes: ATP1A1 (ATPase Na+/K+ transporting subunit alpha 1; plus strand), ATP1A1-AS1 (ATP1A1 antisense RNA 1; minus strand). Cytogenetic location: 1p13.1.
Variant type: single nucleotide variant.
Coding change: c.2293+4A>C on transcript NM_000701.8 (MANE Select); 4 bases into the intron after coding-DNA position 2293, A replaced by C.
Molecular consequence: intron variant.
Genome position (GRCh38, 1-based): chr1:116,398,793, A>C. VCF-style: chr1-116398793-A-C. GRCh37 (hg19) VCF-style: chr1-116941415-A-C.
Other names: c.2293+4A>C (NM_001160233.2); c.2200+4A>C (NM_001160234.2).
Identifiers: ClinVar variation 3377972 (VCV003377972.1).

ClinVar aggregate classification (germline): Uncertain significance (1 of 4 stars; one submission).

Submission:

GeneDx
Classification: Uncertain significance. Last evaluated: 2024-05-17. Review status: criteria provided, single submitter. Criteria: GeneDx Variant Classification Process June 2021. Collection method: clinical testing. Allele origin: germline. Affected: yes.
Comment: Not observed at significant frequency in large population cohorts (gnomAD); In silico analysis supports a deleterious effect on splicing; Has not been previously published as pathogenic or benign to our knowledge